The following is an entry in ClinVar:

NM_001267550.2(TTN):c.32555-1G>T

Gene: TTN (titin; minus strand). Cytogenetic location: 2q31.2.
Variant type: single nucleotide variant.
Coding change: c.32555-1G>T on transcript NM_001267550.2 (MANE Select); the canonical splice acceptor site of the intron before coding-DNA position 32555, G replaced by T.
Molecular consequence: splice acceptor variant. On other transcripts: intron variant (3).
Genome position (GRCh38, 1-based): chr2:178,684,750, C>A on the plus strand (G>T on the coding strand, the complement: TTN is on the minus strand). VCF-style: chr2-178684750-C-A. GRCh37 (hg19) VCF-style: chr2-179549477-C-A.
Other names: c.13283-42433G>T (NM_003319.4); c.13859-42433G>T (NM_133437.4); c.13658-42433G>T (NM_133432.3); c.28823-1G>T (NM_133378.4); c.31604-1G>T (NM_001256850.1).
Identifiers: ClinVar variation 4789895 (VCV004789895.1).

ClinVar aggregate classification (germline): Likely pathogenic (1 of 4 stars; one submission).

Conditions:
Autosomal recessive limb-girdle muscular dystrophy type 2J (LGMDR10). Also called: Limb-girdle muscular dystrophy, type 2J; MUSCULAR DYSTROPHY, LIMB-GIRDLE, AUTOSOMAL RECESSIVE 10. Identifiers: Orphanet 140922, MedGen C1837342, MONDO:0012127, OMIM 608807.
Dilated cardiomyopathy 1G (CMD1G). Identifiers: Orphanet 154, MedGen C1858763, MONDO:0011400, OMIM 604145.

Submission:

Labcorp Genetics (formerly Invitae), Labcorp
Classification: Likely pathogenic for Dilated cardiomyopathy 1G; Autosomal recessive limb-girdle muscular dystrophy type 2J. Last evaluated: 2025-05-05. Review status: criteria provided, single submitter. Criteria: Invitae Variant Classification Sherloc (09022015). Collection method: clinical testing. Allele origin: germline.
Comment: This sequence change affects an acceptor splice site in intron 130 of the TTN gene. It is expected to disrupt RNA splicing and likely results in a truncated or disrupted TTN protein. This variant is not present in population databases (gnomAD no frequency). This variant has not been reported in the literature in individuals affected with TTN-related conditions. Algorithms developed to predict the effect of sequence changes on RNA splicing suggest that this variant may disrupt the consensus splice site. This variant is located in the I band of TTN (PMID: 25589632). Truncating variants in this region have been reported in individuals affected with autosomal recessive centronuclear myopathy (PMID: 23975875, internal data). Truncating variants in this region have also been identified in individuals affected with autosomal dominant dilated cardiomyopathy and/or cardio-related conditions (PMID: 27869827, 32964742, internal data). In summary, the currently available evidence indicates that the variant is pathogenic, but additional data are needed to prove that conclusively. Therefore, this variant has been classified as Likely Pathogenic.

Literature cited by the submitters: PubMed 25589632; PubMed 23975875; PubMed 27869827; PubMed 32964742.